The following is an entry in ClinVar:

NM_015213.4(DENND5A):c.1967T>G (p.Leu656Arg)

Gene: DENND5A (DENN domain containing 5A; minus strand). Cytogenetic location: 11p15.4.
Variant type: single nucleotide variant.
Coding change: c.1967T>G on transcript NM_015213.4 (MANE Select); coding-DNA position 1967, T replaced by G.
Protein change: p.Leu656Arg; replaces leucine 656 with arginine.
Molecular consequence: missense variant. On other transcripts: non-coding transcript variant (1).
Genome position (GRCh38, 1-based): chr11:9,170,717, A>C on the plus strand (T>G on the coding strand, the complement: DENND5A is on the minus strand). VCF-style: chr11-9170717-A-C. GRCh37 (hg19) VCF-style: chr11-9192264-A-C.
Other names: c.1967T>G, p.Leu656Arg (NM_001243254.2, NM_001348748.1); c.1895T>G, p.Leu632Arg (NM_001348749.2); c.1679T>G, p.Leu560Arg (NM_001348750.2); short protein forms L632R, L656R, L560R.
Identifiers: ClinVar variation 2187782 (VCV002187782.3), dbSNP rs762817124, ClinGen allele CA5877467.

ClinVar aggregate classification (germline): Uncertain significance (1 of 4 stars; one submission).

Allele frequency attached by ClinVar (database versions not stated): ExAC 0.00001.
gnomAD v4.1: 4 of 1,614,080 alleles (0.00025%); highest among the groups gnomAD compares: Admixed American, 0.0067%; no homozygotes.

Submission:

Labcorp Genetics (formerly Invitae), Labcorp
Classification: Uncertain significance. Last evaluated: 2024-06-03. Review status: criteria provided, single submitter. Criteria: Invitae Variant Classification Sherloc (09022015). Collection method: clinical testing. Allele origin: germline.
Comment: This sequence change replaces leucine, which is neutral and non-polar, with arginine, which is basic and polar, at codon 656 of the DENND5A protein (p.Leu656Arg). This variant is present in population databases (rs762817124, gnomAD 0.01%). This variant has not been reported in the literature in individuals affected with DENND5A-related conditions. ClinVar contains an entry for this variant (Variation ID: 2187782). Advanced modeling of protein sequence and biophysical properties (such as structural, functional, and spatial information, amino acid conservation, physicochemical variation, residue mobility, and thermodynamic stability) has been performed at Invitae for this missense variant, however the output from this modeling did not meet the statistical confidence thresholds required to predict the impact of this variant on DENND5A protein function. In summary, the available evidence is currently insufficient to determine the role of this variant in disease. Therefore, it has been classified as a Variant of Uncertain Significance.